The following is an entry in ClinVar:

ClinVar aggregate classification (germline): Uncertain significance (1 of 4 stars; one submission).

Allele frequency attached by ClinVar (database versions not stated): gnomAD exomes 0.00002; TOPMed below 0.00001; ExAC 0.00001; gnomAD 0.00001; ESP Exome Variant Server 0.00008.
gnomAD v4.1: 32 of 1,614,020 alleles (0.002%); highest among the groups gnomAD compares: Non-Finnish European, 0.0027%; no homozygotes.

Submission:

Labcorp Genetics (formerly Invitae), Labcorp
Classification: Uncertain significance. Last evaluated: 2024-10-15. Review status: criteria provided, single submitter. Criteria: Invitae Variant Classification Sherloc (09022015). Collection method: clinical testing. Allele origin: germline.
Comment: This sequence change replaces lysine, which is basic and polar, with glutamic acid, which is acidic and polar, at codon 1823 of the OTOF protein (p.Lys1823Glu). This variant is present in population databases (rs369848891, gnomAD 0.004%). This variant has not been reported in the literature in individuals affected with OTOF-related conditions. ClinVar contains an entry for this variant (Variation ID: 1470768). Invitae Evidence Modeling of protein sequence and biophysical properties (such as structural, functional, and spatial information, amino acid conservation, physicochemical variation, residue mobility, and thermodynamic stability) has been performed for this missense variant. However, the output from this modeling did not meet the statistical confidence thresholds required to predict the impact of this variant on OTOF protein function. Algorithms developed to predict the effect of sequence changes on RNA splicing suggest that this variant may create or strengthen a splice site. In summary, the available evidence is currently insufficient to determine the role of this variant in disease. Therefore, it has been classified as a Variant of Uncertain Significance.

NM_194248.3(OTOF):c.5467A>G (p.Lys1823Glu)

Gene: OTOF (otoferlin; minus strand). Cytogenetic location: 2p23.3.
Variant type: single nucleotide variant.
Coding change: c.5467A>G on transcript NM_194248.3 (MANE Select); coding-DNA position 5467, A replaced by G.
Protein change: p.Lys1823Glu; replaces lysine 1823 with glutamic acid.
Molecular consequence: missense variant.
Genome position (GRCh38, 1-based): chr2:26,461,762, T>C on the plus strand (A>G on the coding strand, the complement: OTOF is on the minus strand). VCF-style: chr2-26461762-T-C. GRCh37 (hg19) VCF-style: chr2-26684630-T-C.
Other names: c.5467A>G, p.Lys1823Glu (NM_001287489.2); c.3166A>G, p.Lys1056Glu (NM_004802.4, NM_194323.3); c.3397A>G, p.Lys1133Glu (NM_194322.3); short protein forms K1133E, K1056E, K1823E.
Identifiers: ClinVar variation 1470768 (VCV001470768.4), dbSNP rs369848891, ClinGen allele CA1562818.